The following is an entry in ClinVar:

ClinVar aggregate classification (germline): Uncertain significance (1 of 4 stars; one submission).

Allele frequency attached by ClinVar (database versions not stated): gnomAD exomes below 0.00001.
gnomAD v4.1: 1 of 1,613,342 alleles (0.000062%); highest among the groups gnomAD compares: Middle Eastern, 0.017%; no homozygotes.

Submission:

Labcorp Genetics (formerly Invitae), Labcorp
Classification: Uncertain significance. Last evaluated: 2023-10-09. Review status: criteria provided, single submitter. Criteria: Invitae Variant Classification Sherloc (09022015). Collection method: clinical testing. Allele origin: germline.
Comment: This sequence change replaces tyrosine, which is neutral and polar, with histidine, which is basic and polar, at codon 360 of the C9 protein (p.Tyr360His). This variant is not present in population databases (gnomAD no frequency). This variant has not been reported in the literature in individuals affected with C9-related conditions. Advanced modeling of protein sequence and biophysical properties (such as structural, functional, and spatial information, amino acid conservation, physicochemical variation, residue mobility, and thermodynamic stability) performed at Invitae indicates that this missense variant is expected to disrupt C9 protein function. In summary, the available evidence is currently insufficient to determine the role of this variant in disease. Therefore, it has been classified as a Variant of Uncertain Significance.

NM_001737.5(C9):c.1078T>C (p.Tyr360His)

Gene: C9 (complement C9; minus strand). Cytogenetic location: 5p13.1.
Variant type: single nucleotide variant.
Coding change: c.1078T>C on transcript NM_001737.5 (MANE Select); coding-DNA position 1078, T replaced by C.
Protein change: p.Tyr360His; replaces tyrosine 360 with histidine.
Molecular consequence: missense variant.
Genome position (GRCh38, 1-based): chr5:39,311,170, A>G on the plus strand (T>C on the coding strand, the complement: C9 is on the minus strand). VCF-style: chr5-39311170-A-G. GRCh37 (hg19) VCF-style: chr5-39311272-A-G.
Other names: short protein forms Y360H.
Identifiers: ClinVar variation 2767310 (VCV002767310.3), dbSNP rs2479167163, ClinGen allele CA359556006.